The following is an entry in ClinVar:

ClinVar aggregate classification (germline): Uncertain significance (1 of 4 stars; one submission).

Conditions:
Atypical hemolytic-uremic syndrome. Identifiers: Orphanet 2134, MedGen C2931788, MONDO:0016244.

gnomAD v4.1: 3 of 1,613,742 alleles (0.00019%); highest among the groups gnomAD compares: South Asian, 0.0033%; no homozygotes.

Submission:

Genomenon, Inc
Classification: Uncertain significance for Atypical hemolytic-uremic syndrome. Last evaluated: 2025-10-02. Review status: criteria provided, single submitter. Criteria: Genomenon Sequence Variant Interpretation Standards - Updated. Collection method: curation. Allele origin: germline. Affected: yes.
Comment: CFH p.Gly967Val (c.2900G>T) is a missense variant that changes the amino acid at residue 967 from Glycine to Valine. This variant has been observed in at least one proband affected with atypical hemolytic-uremic syndrome (PMID:28939980). It is absent or not present at a significant frequency in gnomAD. In conclusion, we classify CFH p.Gly967Val (c.2900G>T) as a variant of uncertain significance.

Literature cited by the submitters: PubMed 28939980.

NM_000186.4(CFH):c.2900G>T (p.Gly967Val)

Gene: CFH (complement factor H; plus strand). Cytogenetic location: 1q31.3.
Variant type: single nucleotide variant.
Coding change: c.2900G>T on transcript NM_000186.4 (MANE Select); coding-DNA position 2900, G replaced by T.
Protein change: p.Gly967Val; replaces glycine 967 with valine.
Molecular consequence: missense variant.
Genome position (GRCh38, 1-based): chr1:196,740,736, G>T. VCF-style: chr1-196740736-G-T. GRCh37 (hg19) VCF-style: chr1-196709866-G-T.
Other names: short protein forms G967V.
Identifiers: ClinVar variation 4291519 (VCV004291519.1).